The following is an entry in ClinVar:

NM_003482.4(KMT2D):c.7558C>T (p.Arg2520Trp)

Gene: KMT2D (lysine methyltransferase 2D; minus strand). Cytogenetic location: 12q13.12.
Variant type: single nucleotide variant.
Coding change: c.7558C>T on transcript NM_003482.4 (MANE Select); coding-DNA position 7558, C replaced by T.
Protein change: p.Arg2520Trp; replaces arginine 2520 with tryptophan.
Molecular consequence: missense variant.
Genome position (GRCh38, 1-based): chr12:49,040,212, G>A on the plus strand (C>T on the coding strand, the complement: KMT2D is on the minus strand). VCF-style: chr12-49040212-G-A. GRCh37 (hg19) VCF-style: chr12-49433995-G-A.
Other names: c.7558C>T (NM_003482.3); short protein forms R2520W.
Identifiers: ClinVar variation 1533233 (VCV001533233.33), dbSNP rs759516070, ClinGen allele CA6547039.
Genomic context (GRCh38, chr12:49,040,212, plus strand): 5'-GAGGGAAAGTGAAACGCATGGGAGAGGGGGTGCCCACAAATGCACCCGTCCCAGGGGACC[G>A]GACAAAATTGGGGGGCTGCCCACTTGGGACCTTGGCATGGAGCTCACCTGCTGGCCCCGC-3'
Protein context (NP_003473.3, residues 2510-2530): VPSGQPPNFV[Arg2520Trp]SPGTGAFVGT

ClinVar aggregate classification (germline): Benign/Likely benign. Review status: criteria provided, multiple submitters, no conflicts (2 of 4 stars). 4 submissions from 4 submitters: Benign (1); Likely benign (3). Last evaluated 2025-05-13.

Conditions:
KMT2D-related disorder. Also called: KMT2D-Related Disorders.
Inborn genetic diseases. Identifiers: MedGen C0950123, MeSH D030342.
Kabuki syndrome. Also called: Kabuki make-up syndrome; NIIKAWA-KUROKI SYNDROME. Identifiers: Orphanet 2322, MedGen C0796004, MONDO:0016512.

Allele frequency attached by ClinVar (database versions not stated): gnomAD 0.00002 and 0.00003; TOPMed 0.00002; ExAC 0.00003; gnomAD exomes 0.00003 and 0.00004; 1000 Genomes Project 30x 0.00031.
gnomAD v4.1: 53 of 1,613,226 alleles (0.0033%); highest among the groups gnomAD compares: South Asian, 0.0066%; no homozygotes.

Submissions (4):

Labcorp Genetics (formerly Invitae), Labcorp
Classification: Benign for Kabuki syndrome. Last evaluated: 2025-05-13. Review status: criteria provided, single submitter. Criteria: Invitae Variant Classification Sherloc (09022015). Collection method: clinical testing. Allele origin: germline.

CeGaT Center for Human Genetics Tuebingen
Classification: Likely benign. Last evaluated: 2025-04-01. Review status: criteria provided, single submitter. Criteria: CeGaT Center For Human Genetics Tuebingen Variant Classification Criteria Version 2. Collection method: clinical testing. Allele origin: germline. Affected: yes. Observed: 3 variant alleles.
Comment: KMT2D: PP2, BS2

PreventionGenetics, part of Exact Sciences
Classification: Likely benign for KMT2D-related condition. Last evaluated: 2025-01-18. Review status: criteria provided, single submitter. Criteria: ACMG Guidelines, 2015. Collection method: clinical testing. Allele origin: germline.
Comment: This variant is classified as likely benign based on ACMG/AMP sequence variant interpretation guidelines (Richards et al. 2015 PMID: 25741868, with internal and published modifications).

Ambry Genetics
Classification: Likely benign for Inborn genetic diseases. Last evaluated: 2022-05-10. Review status: criteria provided, single submitter. Criteria: Ambry Variant Classification Scheme 2023. Collection method: clinical testing. Allele origin: germline.